The following is an entry in ClinVar:

NM_000059.4(BRCA2):c.1744A>C (p.Thr582Pro)

Gene: BRCA2 (BRCA2 DNA repair associated; plus strand). Cytogenetic location: 13q13.1.
Variant type: single nucleotide variant.
Coding change: c.1744A>C on transcript NM_000059.4 (MANE Select); coding-DNA position 1744, A replaced by C.
Protein change: p.Thr582Pro; replaces threonine 582 with proline.
Molecular consequence: missense variant.
Genome position (GRCh38, 1-based): chr13:32,333,222, A>C. VCF-style: chr13-32333222-A-C. GRCh37 (hg19) VCF-style: chr13-32907359-A-C.
Other names: 1972A>C; short protein forms T582P.
Identifiers: ClinVar variation 37753 (VCV000037753.55), dbSNP rs80358457, ClinGen allele CA013035.

ClinVar aggregate classification (germline): Benign. Review status: reviewed by expert panel (3 of 4 stars). 20 submissions from 20 submitters: Benign (1). 19 of the submissions do not count toward it. Last evaluated 2015-08-10.

Conditions:
Hereditary cancer-predisposing syndrome. Also called: Neoplastic Syndromes, Hereditary; Tumor predisposition; Hereditary Cancer Syndrome; Hereditary neoplastic syndrome. Identifiers: Orphanet 140162, MedGen C0027672, MeSH D009386, MONDO:0015356.
BRCA2-related disorder. Also called: BRCA2-related condition; BRCA2-related disorders. Identifiers: MedGen CN239275.
Hereditary breast ovarian cancer syndrome. Also called: Hereditary breast and ovarian cancer; Breast and ovarian cancer; Hereditary breast and/or ovarian cancer syndrome; Hereditary breast and ovarian cancer syndrome (HBOC); Hereditary breast and ovarian cancer syndrome; BRCA1- and BRCA2-Associated Hereditary Breast and Ovarian Cancer. Identifiers: Orphanet 145, MedGen C0677776, MeSH D061325, MONDO:0003582. Disease mechanism: loss of function.
Breast-ovarian cancer, familial, susceptibility to, 2 (BROVCA2). Also called: BRCA2 Hereditary Breast and Ovarian Cancer. Identifiers: Orphanet 145, MedGen C2675520, MONDO:0012933, OMIM 612555. Disease mechanism: loss of function.
Familial cancer of breast. Also called: BREAST CANCER, FAMILIAL; Hereditary breast cancer; hereditary breast carcinoma. Identifiers: Orphanet 227535, MedGen C0346153, MONDO:0016419, OMIM 114480. Disease mechanism: loss of function.
Malignant tumor of breast. Also called: Malignant breast neoplasm; Cancer breast. Identifiers: MedGen C0006142, MONDO:0007254. Disease mechanism: loss of function.

Allele frequency attached by ClinVar (database versions not stated): gnomAD 0.00003 and 0.00006; TOPMed 0.00006; ExAC 0.00022; gnomAD exomes 0.00023; 1000 Genomes Project 30x 0.00031; 1000 Genomes Project 0.00040.
gnomAD v4.1: 159 of 1,613,026 alleles (0.0099%); highest among the groups gnomAD compares: East Asian, 0.35%; 1 homozygote.

Submissions 1 to 18 of 20:

Evidence-based Network for the Interpretation of Germline Mutant Alleles (ENIGMA)
Classification: Benign for Breast-ovarian cancer, familial 2. Last evaluated: 2015-08-10. Review status: reviewed by expert panel. Criteria: ENIGMA BRCA1/2 Classification Criteria (2015). Collection method: curation. Allele origin: germline.
Comment: IARC class based on posterior probability from multifactorial likelihood analysis, thresholds for class as per Plon et al. 2008 (PMID: 18951446). Class 1 based on posterior probability = 0.0000224

Labcorp Genetics (formerly Invitae), Labcorp
Classification: Benign for Hereditary breast ovarian cancer syndrome. Last evaluated: 2026-01-31. Review status: criteria provided, single submitter. Criteria: Invitae Variant Classification Sherloc (09022015). Collection method: clinical testing. Allele origin: germline. Not counted in ClinVar's aggregate classification.

Center for Genomic Medicine, Rigshospitalet, Copenhagen University Hospital
Classification: Benign. Last evaluated: 2025-03-04. Review status: criteria provided, single submitter. Criteria: ACMG Guidelines, 2015. Collection method: clinical testing. Allele origin: germline. Not counted in ClinVar's aggregate classification.

Mayo Clinic Laboratories, Mayo Clinic
Classification: Benign. Last evaluated: 2025-01-10. Review status: criteria provided, single submitter. Criteria: ACMG Guidelines, 2015. Collection method: clinical testing. Allele origin: germline. Observed: 1 variant allele. Not counted in ClinVar's aggregate classification.
Comment: BA1, BP1_strong

All of Us Research Program, National Institutes of Health
Classification: Likely benign for Breast-ovarian cancer, familial, susceptibility to, 2. Last evaluated: 2024-01-03. Review status: criteria provided, single submitter. Criteria: ACMG Guidelines, 2015. Collection method: clinical testing. Allele origin: germline. Inheritance: Autosomal dominant inheritance. Observed: 11 variant alleles, 11 heterozygotes. Not counted in ClinVar's aggregate classification.
Comment: This study involves interpretation of variants in research participants for the purpose of population health screening. Participant phenotype was not available at the time of variant classification. Additional details can be found in publication PMID: 35346344, PMCID: PMC8962531

CeGaT Center for Human Genetics Tuebingen
Classification: Likely benign. Last evaluated: 2023-12-01. Review status: criteria provided, single submitter. Criteria: CeGaT Center For Human Genetics Tuebingen Variant Classification Criteria Version 2. Collection method: clinical testing. Allele origin: germline. Affected: yes. Observed: 1 variant allele. Not counted in ClinVar's aggregate classification.
Comment: BRCA2: BP1, BP4, BS3:Supporting

Quest Diagnostics Nichols Institute San Juan Capistrano
Classification: Benign. Last evaluated: 2023-04-11. Review status: criteria provided, single submitter. Criteria: Quest Diagnostics criteria. Collection method: clinical testing. Allele origin: unknown. Not counted in ClinVar's aggregate classification.

Sema4
Classification: Likely benign for Hereditary cancer-predisposing syndrome. Last evaluated: 2021-11-10. Review status: criteria provided, single submitter. Criteria: Sema4 Curation Guidelines. Collection method: curation. Allele origin: germline. Not counted in ClinVar's aggregate classification.

GeneDx
Classification: Likely benign. Last evaluated: 2020-11-27. Review status: criteria provided, single submitter. Criteria: GeneDx Variant Classification Process June 2021. Collection method: clinical testing. Allele origin: germline. Affected: yes. Not counted in ClinVar's aggregate classification.
Comment: This variant is associated with the following publications: (PMID: 17924331, 24323938, 21990134, 12624724, 9971877, 19491284, 15117986, 17301269, 26260725, 22771033, 15168169, 18779604, 27124784, 27383479, 26332594, 28782087, 29202657, 28111427, 30415210, 32426482)

Women's Health and Genetics/Laboratory Corporation of America, LabCorp
Classification: Benign. Last evaluated: 2019-09-23. Review status: criteria provided, single submitter. Criteria: LabCorp Variant Classification Summary - May 2015. Collection method: clinical testing. Allele origin: germline. Not counted in ClinVar's aggregate classification.
Comment: Variant summary: BRCA2 c.1744A>C (p.Thr582Pro) results in a non-conservative amino acid change in the encoded protein sequence. Three of five in-silico tools predict a damaging effect of the variant on protein function. The variant allele was found at a frequency of 0.00023 in 250296 control chromosomes, predominantly at a frequency of 0.0032 within the East Asian subpopulation in the gnomAD database. The observed variant frequency within East Asian control individuals in the gnomAD database is approximately 4 fold of the estimated maximal expected allele frequency for a pathogenic variant in BRCA2 causing Hereditary Breast and Ovarian Cancer phenotype (0.00075), strongly suggesting that the variant is a benign polymorphism found primarily in populations of East Asian origin. c.1744A>C has been reported in the literature in individuals affected with Breast and Ovarian Cancer. However, these reports do not provide unequivocal conclusions about association of the variant with Hereditary Breast and Ovarian Cancer. Co-occurrence with a pathogenic variant has been reported (BRCA1 c.505C>T, p.Gln169Ter), providing supporting evidence for a benign role. At least one publication reports experimental evidence evaluating an impact on protein function. These results showed no damaging effect of this variant (Mondal_2012). Eight clinical diagnostic laboratories have submitted clinical-significance assessments for this variant to ClinVar after 2014 without evidence for independent evaluation (4x benign-including one expert panel, 3x likely benign, 1x VUS). Based on the evidence outlined above, the variant was classified as benign.

Mendelics
Classification: Benign for Breast-ovarian cancer, familial, susceptibility to, 2. Last evaluated: 2019-05-28. Review status: criteria provided, single submitter. Criteria: Mendelics Assertion Criteria 2017. Collection method: clinical testing. Allele origin: unknown. Not counted in ClinVar's aggregate classification.

Cancer Genetics and Genomics Laboratory, British Columbia Cancer Agency
Classification: Benign. Last evaluated: 2017-04-18. Review status: criteria provided, single submitter. Criteria: ACMG Guidelines, 2015. Collection method: clinical testing. Allele origin: germline. Study: The Canadian Open Genetics Repository (COGR). Not counted in ClinVar's aggregate classification.

Soonchunhyang University Bucheon Hospital, Soonchunhyang University Medical Center
Classification: Uncertain significance for Breast-ovarian cancer, familial, susceptibility to, 2. Last evaluated: 2016-03-18. Review status: criteria provided, single submitter. Criteria: ACMG Guidelines, 2015. Collection method: reference population. Allele origin: germline. Observed: 1 variant allele. Not counted in ClinVar's aggregate classification.

Color Diagnostics, LLC DBA Color Health
Classification: Likely benign for Hereditary cancer-predisposing syndrome. Last evaluated: 2015-12-08. Review status: criteria provided, single submitter. Criteria: ACMG Guidelines, 2015. Collection method: clinical testing. Allele origin: germline. Not counted in ClinVar's aggregate classification.

Ambry Genetics
Classification: Benign for Hereditary cancer-predisposing syndrome. Last evaluated: 2014-11-19. Review status: criteria provided, single submitter. Criteria: Ambry Variant Classification Scheme 2023. Collection method: clinical testing. Allele origin: germline. Not counted in ClinVar's aggregate classification.

PreventionGenetics, part of Exact Sciences
Classification: Likely benign for BRCA2-related condition. Last evaluated: 2022-08-15. Review status: no assertion criteria provided. Collection method: clinical testing. Allele origin: germline. Not counted in ClinVar's aggregate classification.
Comment: This variant is classified as likely benign based on ACMG/AMP sequence variant interpretation guidelines (Richards et al. 2015 PMID: 25741868, with internal and published modifications).

Sharing Clinical Reports Project (SCRP)
Classification: Benign for Breast-ovarian cancer, familial 2. Last evaluated: 2009-08-01. Review status: no assertion criteria provided. Collection method: clinical testing. Allele origin: germline. Not counted in ClinVar's aggregate classification.

Breast Cancer Information Core (BIC) (BRCA2)
Classification: Uncertain significance for Breast-ovarian cancer, familial 2. Last evaluated: 2004-02-20. Review status: no assertion criteria provided. Collection method: clinical testing. Allele origin: germline. Affected: yes. Observed: 7 variant alleles. Not counted in ClinVar's aggregate classification.